The following is an entry in ClinVar:

NM_000089.4(COL1A2):c.70+804T>C

Gene: COL1A2 (collagen type I alpha 2 chain; plus strand). Cytogenetic location: 7q21.3.
Variant type: single nucleotide variant.
Coding change: c.70+804T>C on transcript NM_000089.4 (MANE Select); 804 bases into the intron after coding-DNA position 70, T replaced by C.
Molecular consequence: intron variant.
Genome position (GRCh38, 1-based): chr7:94,395,905, T>C. VCF-style: chr7-94395905-T-C. GRCh37 (hg19) VCF-style: chr7-94025217-T-C.
Identifiers: ClinVar variation 672688 (VCV000672688.1), dbSNP rs151000015, ClinGen allele CA12475841.
Genomic context (GRCh38, chr7:94,395,905, plus strand): 5'-ATGGAAATGGTAACATTTTTTAACTCAAATCTGCTCTAAATTTTGTTTGAGCCTGAGAAT[T>C]ACCCCTTTGACATGTTCCCAGTGATAAGCAAACATTATGAACGCAGCAAGTTGAGAAATA-3'

ClinVar aggregate classification (germline): Likely benign (1 of 4 stars; one submission).

Allele frequency attached by ClinVar (database versions not stated): 1000 Genomes Project 30x 0.00141; 1000 Genomes Project 0.00160; TOPMed 0.00193; gnomAD 0.00525 and 0.00557.
gnomAD v4.1: 805 of 152,300 alleles (0.53%); highest among the groups gnomAD compares: Non-Finnish European, 0.47%; 9 homozygotes.

Submission:

GeneDx
Classification: Likely benign. Last evaluated: 2018-06-14. Review status: criteria provided, single submitter. Criteria: GeneDx Variant Classification (06012015). Collection method: clinical testing. Allele origin: germline. Affected: yes.
Comment: This variant is considered likely benign or benign based on one or more of the following criteria: it is a conservative change, it occurs at a poorly conserved position in the protein, it is predicted to be benign by multiple in silico algorithms, and/or has population frequency not consistent with disease.